The following is an entry in ClinVar:

NM_000157.4(GBA1):c.622C>T (p.Gln208Ter)

Genes: GBA1 (glucosylceramidase beta 1; minus strand), LOC106627981 (GBA recombination region; plus strand). Cytogenetic location: 1q22.
Variant type: single nucleotide variant.
Coding change: c.622C>T on transcript NM_000157.4 (MANE Select); coding-DNA position 622, C replaced by T.
Protein change: p.Gln208Ter; replaces glutamine 208 with a stop codon.
Molecular consequence: nonsense.
Genome position (GRCh38, 1-based): chr1:155,238,273, G>A on the plus strand (C>T on the coding strand, the complement: GBA1 is on the minus strand). VCF-style: chr1-155238273-G-A. GRCh37 (hg19) VCF-style: chr1-155208064-G-A.
Other names: c.622C>T, p.Gln208Ter (NM_001005741.3, NM_001005742.3); c.361C>T, p.Gln121Ter (NM_001171811.2); c.475C>T, p.Gln159Ter (NM_001171812.2); c.622C>T (NM_000157.3); short protein forms Q121*, Q159*, Q208*.
Identifiers: ClinVar variation 3383198 (VCV003383198.3).

ClinVar aggregate classification (germline): Pathogenic. Review status: criteria provided, multiple submitters, no conflicts (2 of 4 stars). 2 submissions from 2 submitters: Pathogenic (2). Last evaluated 2025-10-03.

Conditions:
Gaucher disease. Also called: Acute cerebral Gaucher disease; Cerebroside lipidosis syndrome; Gaucher splenomegaly; Sphingolipidosis 1; Glucocerebrosidosis; Glucosylceramidase deficiency. Identifiers: Orphanet 355, MedGen C0017205, MONDO:0018150.
Gaucher disease type I (GD1). Also called: GD 1; ACID BETA-GLUCOSIDASE DEFICIENCY; GAUCHER DISEASE, NONCEREBRAL JUVENILE; GBA DEFICIENCY; GD I; GLUCOCEREBROSIDASE DEFICIENCY. Identifiers: Orphanet 355, Orphanet 77259, MedGen C1961835, MONDO:0009265, OMIM 230800.

gnomAD v4.1: 1 of 1,603,882 alleles (0.000062%); highest among the groups gnomAD compares: Non-Finnish European, 0.000085%; no homozygotes.

Submissions (2):

Natera, Inc.
Classification: Pathogenic for Gaucher disease. Last evaluated: 2025-10-03. Review status: criteria provided, single submitter. Criteria: Natera Variant Classification Schema (03/2026). Collection method: clinical testing. Allele origin: germline.
Comment: The c.622C>T variant in GBA1 is a nonsense variant predicted to introduce a stop codon at amino acid 208. This variant is expected to result in nonsense mediated decay, truncation, or a dysfunctional protein product. This variant is rare in the general population with a frequency below the threshold expected for the associated phenotype(s). This variant has been observed in one or more individuals affected with the associated recessive disease, as either homozygous or compound heterozygous with a second variant (PMID: 9554746). Given the available evidence, this variant is classified as Pathogenic.

Juno Genomics, Hangzhou Juno Genomics, Inc
Classification: Pathogenic for Gaucher disease type I. Review status: criteria provided, single submitter. Criteria: ACMG Guidelines, 2015. Collection method: clinical testing. Allele origin: germline. Affected: yes.
Comment: Absent from controls (or at extremely low frequency if recessive) in Genome Aggregation Database, Exome Sequencing Project, 1000 Genomes Project, or Exome Aggregation Consortium.;Null variant in a gene where loss of function (LOF) is a known mechanism of disease.;For recessive disorders, detected in trans with a pathogenic variant.;Patient's phenotype or family history is highly specific for a disease with a single genetic etiology.

Literature cited by the submitters: PubMed 9554746 (cited by Natera, Inc.).